The following is an entry in ClinVar:

ClinVar aggregate classification (germline): Uncertain significance (1 of 4 stars; one submission).

Allele frequency attached by ClinVar (database versions not stated): ExAC 0.00002.
gnomAD v4.1: 10 of 1,613,970 alleles (0.00062%); highest among the groups gnomAD compares: South Asian, 0.0011%; no homozygotes.

Submission:

Labcorp Genetics (formerly Invitae), Labcorp
Classification: Uncertain significance. Last evaluated: 2025-01-27. Review status: criteria provided, single submitter. Criteria: Invitae Variant Classification Sherloc (09022015). Collection method: clinical testing. Allele origin: germline.
Comment: This sequence change replaces arginine, which is basic and polar, with tryptophan, which is neutral and slightly polar, at codon 283 of the VAC14 protein (p.Arg283Trp). This variant is present in population databases (rs769516806, gnomAD 0.01%). This variant has not been reported in the literature in individuals affected with VAC14-related conditions. ClinVar contains an entry for this variant (Variation ID: 1941384). Invitae Evidence Modeling of protein sequence and biophysical properties (such as structural, functional, and spatial information, amino acid conservation, physicochemical variation, residue mobility, and thermodynamic stability) indicates that this missense variant is not expected to disrupt VAC14 protein function with a negative predictive value of 80%. In summary, the available evidence is currently insufficient to determine the role of this variant in disease. Therefore, it has been classified as a Variant of Uncertain Significance.

NM_018052.5(VAC14):c.847C>T (p.Arg283Trp)

Gene: VAC14 (VAC14 component of PIKFYVE complex; minus strand). Cytogenetic location: 16q22.1.
Variant type: single nucleotide variant.
Coding change: c.847C>T on transcript NM_018052.5 (MANE Select); coding-DNA position 847, C replaced by T.
Protein change: p.Arg283Trp; replaces arginine 283 with tryptophan.
Molecular consequence: missense variant.
Genome position (GRCh38, 1-based): chr16:70,781,968, G>A on the plus strand (C>T on the coding strand, the complement: VAC14 is on the minus strand). VCF-style: chr16-70781968-G-A. GRCh37 (hg19) VCF-style: chr16-70815871-G-A.
Other names: c.145C>T, p.Arg49Trp (NM_001351157.2); short protein forms R283W, R49W.
Identifiers: ClinVar variation 1941384 (VCV001941384.5), dbSNP rs769516806, ClinGen allele CA8147923.